The following is an entry in ClinVar:

ClinVar aggregate classification (germline): Uncertain significance (1 of 4 stars; one submission).

Conditions:
Luscan-Lumish syndrome. Identifiers: Orphanet 597738, MedGen C4085873, MONDO:0014791, OMIM 616831.

Allele frequency attached by ClinVar (database versions not stated): gnomAD 0.00001.
gnomAD v4.1: 1 of 1,613,864 alleles (0.000062%); highest among the groups gnomAD compares: East Asian, 0.0022%; no homozygotes.

Submission:

Labcorp Genetics (formerly Invitae), Labcorp
Classification: Uncertain significance for Luscan-Lumish syndrome. Last evaluated: 2017-05-25. Review status: criteria provided, single submitter. Criteria: Invitae Variant Classification Sherloc (09022015). Collection method: clinical testing. Allele origin: germline.
Comment: This variant has not been reported in the literature in individuals with a SETD2-related disease. This variant is not present in population databases (ExAC no frequency). This sequence change replaces arginine with glycine at codon 839 of the SETD2 protein (p.Arg839Gly). The arginine residue is moderately conserved and there is a moderate physicochemical difference between arginine and glycine. In summary, this variant has uncertain impact on SETD2 function. The available evidence is currently insufficient to determine its role in disease. Therefore, it has been classified as a Variant of Uncertain Significance. Algorithms developed to predict the effect of missense changes on protein structure and function output the following: SIFT: "Tolerated"; PolyPhen-2: "Benign"; Align-GVGD: "Class C0". The glycine amino acid residue is found in multiple mammalian species, suggesting that this missense change does not adversely affect protein function. These predictions have not been confirmed by published functional studies and their clinical significance is uncertain.

NM_014159.7(SETD2):c.2515A>G (p.Arg839Gly)

Gene: SETD2 (SET domain containing 2, histone lysine methyltransferase; minus strand). Cytogenetic location: 3p21.31.
Variant type: single nucleotide variant.
Coding change: c.2515A>G on transcript NM_014159.7 (MANE Select); coding-DNA position 2515, A replaced by G.
Protein change: p.Arg839Gly; replaces arginine 839 with glycine.
Molecular consequence: missense variant. On other transcripts: non-coding transcript variant (1).
Genome position (GRCh38, 1-based): chr3:47,122,121, T>C on the plus strand (A>G on the coding strand, the complement: SETD2 is on the minus strand). VCF-style: chr3-47122121-T-C. GRCh37 (hg19) VCF-style: chr3-47163611-T-C.
Other names: c.2383A>G, p.Arg795Gly (NM_001349370.3); short protein forms R839G, R795G.
Identifiers: ClinVar variation 475500 (VCV000475500.5), dbSNP rs1441287639, ClinGen allele CA352526191.
Genomic context (GRCh38, chr3:47,122,121, plus strand): 5'-TGCTACCGATGCTCTGCTTATATTCTTCACATGCAAATTTTGAGTGATCTGTCAAATTTC[T>C]ACTATCACATATAACTGGTTTTGATTCCAAATGCACATTCATAAAGCTATTTGAAGAAAT-3'
Protein context (NP_054878.5, residues 829-849): LESKPVICDS[Arg839Gly]NLTDHSKFAC